The following is an entry in ClinVar:

ClinVar aggregate classification (germline): Uncertain significance (1 of 4 stars; one submission).

Conditions:
Pierpont syndrome (PRPTS). Identifiers: Orphanet 487825, MedGen C1865644, MONDO:0011213, OMIM 602342.

Submission:

Labcorp Genetics (formerly Invitae), Labcorp
Classification: Uncertain significance for Pierpont syndrome. Last evaluated: 2024-10-22. Review status: criteria provided, single submitter. Criteria: Invitae Variant Classification Sherloc (09022015). Collection method: clinical testing. Allele origin: germline.
Comment: This sequence change replaces serine, which is neutral and polar, with arginine, which is basic and polar, at codon 202 of the TBL1XR1 protein (p.Ser202Arg). This variant is not present in population databases (gnomAD no frequency). This variant has not been reported in the literature in individuals affected with TBL1XR1-related conditions. ClinVar contains an entry for this variant (Variation ID: 1064006). Invitae Evidence Modeling of protein sequence and biophysical properties (such as structural, functional, and spatial information, amino acid conservation, physicochemical variation, residue mobility, and thermodynamic stability) indicates that this missense variant is not expected to disrupt TBL1XR1 protein function with a negative predictive value of 95%. In summary, the available evidence is currently insufficient to determine the role of this variant in disease. Therefore, it has been classified as a Variant of Uncertain Significance.

NM_024665.7(TBL1XR1):c.604A>C (p.Ser202Arg)

Gene: TBL1XR1 (TBL1X/Y related 1; minus strand). Cytogenetic location: 3q26.32.
Variant type: single nucleotide variant.
Coding change: c.604A>C on transcript NM_024665.7 (MANE Select); coding-DNA position 604, A replaced by C.
Protein change: p.Ser202Arg; replaces serine 202 with arginine.
Molecular consequence: missense variant.
Genome position (GRCh38, 1-based): chr3:177,050,095, T>G on the plus strand (A>C on the coding strand, the complement: TBL1XR1 is on the minus strand). VCF-style: chr3-177050095-T-G. GRCh37 (hg19) VCF-style: chr3-176767883-T-G.
Other names: c.604A>C, p.Ser202Arg (NM_001321193.3, NM_001321194.3, NM_001374327.1 and 2 more transcripts); c.343A>C, p.Ser115Arg (NM_001321195.3, NM_001374330.1); short protein forms S115R, S202R.
Identifiers: ClinVar variation 1064006 (VCV001064006.9), dbSNP rs2108490815, ClinGen allele CA355552602.